The following is an entry in ClinVar:

NM_000445.5(PLEC):c.115A>G (p.Ser39Gly)

Gene: PLEC (plectin; minus strand). Cytogenetic location: 8q24.3.
Variant type: single nucleotide variant.
Coding change: c.115A>G on transcript NM_000445.5; coding-DNA position 115, A replaced by G.
Protein change: p.Ser39Gly; replaces serine 39 with glycine.
Molecular consequence: missense variant.
Genome position (GRCh38, 1-based): chr8:143,975,255, T>C on the plus strand (A>G on the coding strand, the complement: PLEC is on the minus strand). VCF-style: chr8-143975255-T-C. GRCh37 (hg19) VCF-style: chr8-145049423-T-C.
Other names: c.115A>G, p.Ser39Gly (NM_001410941.1); short protein forms S39G.
Identifiers: ClinVar variation 2162318 (VCV002162318.4), dbSNP rs782817219, ClinGen allele CA4929159.

ClinVar aggregate classification (germline): Uncertain significance (1 of 4 stars; one submission).

Conditions:
Epidermolysis bullosa simplex with nail dystrophy (EBS5D). Identifiers: MedGen C4225309, MONDO:0014661, OMIM 616487.
Epidermolysis bullosa simplex, Ogna type (EBS5A). Also called: Pidermolysis bullosa simplex 5A, Ogna type; EPIDERMOLYSIS BULLOSA SIMPLEX 5A, OGNA TYPE. Identifiers: Orphanet 79401, MedGen C0432317, MONDO:0007555, OMIM 131950.
Autosomal recessive limb-girdle muscular dystrophy type 2Q (LGMDR17). Also called: MUSCULAR DYSTROPHY, LIMB-GIRDLE, AUTOSOMAL RECESSIVE 17. Identifiers: Orphanet 254361, MedGen C3150989, MONDO:0013390, OMIM 613723.
Epidermolysis bullosa simplex 5B, with muscular dystrophy (EBS5B). Also called: Epidermolysis bullosa simplex with muscular dystrophy; EPIDERMOLYSIS BULLOSA SIMPLEX AND LIMB-GIRDLE MUSCULAR DYSTROPHY. Identifiers: Orphanet 257, MedGen C2931072, MONDO:0009181, OMIM 226670.
Epidermolysis bullosa simplex 5C, with pyloric atresia (EBS5C). Also called: PLEC-Related Epidermolysis Bullosa with Pyloric Atresia; Epidermolysis bullosa simplex with pyloric atresia; PLEC1-Related Epidermolysis Bullosa with Pyloric Atresia. Identifiers: Orphanet 158684, MedGen C2677349, MONDO:0012807, OMIM 612138.

Allele frequency attached by ClinVar (database versions not stated): gnomAD 0.00004; ExAC 0.00011; TOPMed 0.00006.
gnomAD v4.1: 24 of 1,608,272 alleles (0.0015%); highest among the groups gnomAD compares: East Asian, 0.049%; no homozygotes.

Submission:

Labcorp Genetics (formerly Invitae), Labcorp
Classification: Uncertain significance for Autosomal recessive limb-girdle muscular dystrophy type 2Q; Epidermolysis bullosa simplex, Ogna type; Epidermolysis bullosa simplex with nail dystrophy; Epidermolysis bullosa simplex 5C, with pyloric atresia; Epidermolysis bullosa simplex 5B, with muscular dystrophy. Last evaluated: 2025-05-12. Review status: criteria provided, single submitter. Criteria: Invitae Variant Classification Sherloc (09022015). Collection method: clinical testing. Allele origin: germline.
Comment: This sequence change replaces serine, which is neutral and polar, with glycine, which is neutral and non-polar, at codon 39 of the PLEC protein (p.Ser39Gly). This variant is present in population databases (rs782817219, gnomAD 0.1%). This variant has not been reported in the literature in individuals affected with PLEC-related conditions. ClinVar contains an entry for this variant (Variation ID: 2162318). Experimental studies and prediction algorithms are not available or were not evaluated, and the functional significance of this variant is currently unknown. In summary, the available evidence is currently insufficient to determine the role of this variant in disease. Therefore, it has been classified as a Variant of Uncertain Significance.